The following is an entry in ClinVar:

NM_030780.5(SLC25A32):c.899A>G (p.Tyr300Cys)

Gene: SLC25A32 (solute carrier family 25 member 32; minus strand). Cytogenetic location: 8q22.3.
Variant type: single nucleotide variant.
Coding change: c.899A>G on transcript NM_030780.5 (MANE Select); coding-DNA position 899, A replaced by G.
Protein change: p.Tyr300Cys; replaces tyrosine 300 with cysteine.
Molecular consequence: missense variant. On other transcripts: non-coding transcript variant (2).
Genome position (GRCh38, 1-based): chr8:103,400,460, T>C on the plus strand (A>G on the coding strand, the complement: SLC25A32 is on the minus strand). VCF-style: chr8-103400460-T-C. GRCh37 (hg19) VCF-style: chr8-104412688-T-C.
Other names: short protein forms Y300C.
Identifiers: ClinVar variation 772905 (VCV000772905.14), dbSNP rs141856398, ClinGen allele CA4835335.
Genomic context (GRCh38, chr8:103,400,460, plus strand): 5'-CCTCTTTGAGCTTACTTTCTCTTTTCTCTAAGGTCAAGTAAAAAATGTGAGACGTTTTCA[T>C]ATACCACAAAGGTAATACAGCAGGCTGGAGTCACTCTAATCAAATTAGGAGCAATTCCCT-3'
Protein context (NP_110407.2, residues 290-310): TPACCITFVV[Tyr300Cys]ENVSHFLLDL

ClinVar aggregate classification (germline): Benign/Likely benign. Review status: criteria provided, multiple submitters, no conflicts (2 of 4 stars). 4 submissions from 4 submitters: Benign (2); Likely benign (1). 1 of the submissions does not count toward it. Last evaluated 2026-01-28.

Conditions:
SLC25A32-related disorder. Also called: SLC25A32-related condition.
Exercise intolerance, riboflavin-responsive (RREI). Identifiers: MedGen C4225187, MONDO:0014795, OMIM 616839.

Allele frequency attached by ClinVar (database versions not stated): ESP Exome Variant Server 0.00054; gnomAD 0.00143 and 0.00293; TOPMed 0.00217; gnomAD exomes 0.00317 and 0.00686; ExAC 0.00749; 1000 Genomes Project 0.01138; 1000 Genomes Project 30x 0.01187.
gnomAD v4.1: 5,340 of 1,614,122 alleles (0.33%); highest among the groups gnomAD compares: South Asian, 3.4%; 111 homozygotes.

Submissions (4):

Labcorp Genetics (formerly Invitae), Labcorp
Classification: Benign. Last evaluated: 2026-01-28. Review status: criteria provided, single submitter. Criteria: Invitae Variant Classification Sherloc (09022015). Collection method: clinical testing. Allele origin: germline.

Fulgent Genetics
Classification: Likely benign for Exercise intolerance, riboflavin-responsive. Last evaluated: 2022-05-16. Review status: criteria provided, single submitter. Criteria: ACMG Guidelines, 2015. Collection method: clinical testing. Allele origin: unknown.

Breakthrough Genomics
Classification: Benign. Review status: criteria provided, single submitter. Criteria: ACMG Guidelines, 2015. Collection method: not provided. Allele origin: germline. Inheritance: Autosomal recessive inheritance. Affected: yes.

PreventionGenetics, part of Exact Sciences
Classification: Benign for SLC25A32-related condition. Last evaluated: 2020-01-15. Review status: no assertion criteria provided. Collection method: clinical testing. Allele origin: germline. Not counted in ClinVar's aggregate classification.
Comment: This variant is classified as benign based on ACMG/AMP sequence variant interpretation guidelines (Richards et al. 2015 PMID: 25741868, with internal and published modifications).